The following is an entry in ClinVar:

NM_001243133.2(NLRP3):c.291A>G (p.Ala97=)

Gene: NLRP3 (NLR family pyrin domain containing 3; plus strand). Cytogenetic location: 1q44.
Variant type: single nucleotide variant.
Coding change: c.291A>G on transcript NM_001243133.2 (MANE Select); coding-DNA position 291, A replaced by G.
Protein change: p.Ala97=; no amino-acid change (alanine 97 retained).
Molecular consequence: synonymous variant.
Genome position (GRCh38, 1-based): chr1:247,423,243, A>G. VCF-style: chr1-247423243-A-G. GRCh37 (hg19) VCF-style: chr1-247586545-A-G.
Other names: c.291A>G, p.Ala97= (NM_001079821.3, NM_001127461.3, NM_001127462.3 and 1 more transcripts); c.297A>G, p.Ala99= (NM_004895.5).
Identifiers: ClinVar variation 103040 (VCV000103040.8), dbSNP rs199475729, ClinGen allele CA230004.
Genomic context (GRCh38, chr1:247,423,243, plus strand): 5'-TCTGTGATAATAGTTCTGGGTTTTGACACCTTTTTTTTCCCTTTTAGGTTCAGATAATGC[A>G]CGTGTTTCGAATCCCACTGTGATATGCCAGGAAGACAGCATTGAAGAGGAGTGGATGGGT-3'
Protein context (NP_001230062.1, residues 87-107): RDEPKWGSDN[Ala97=]RVSNPTVICQ

ClinVar aggregate classification (germline): Likely benign. Review status: criteria provided, single submitter (1 of 4 stars). 2 submissions from 2 submitters: Likely benign (1). 1 of the submissions does not count toward it. Last evaluated 2025-10-11.

Conditions:
Cryopyrin associated periodic syndrome (CAPS). Identifiers: Orphanet 208650, MedGen C2316212, MONDO:0016168.

Allele frequency attached by ClinVar (database versions not stated): gnomAD exomes below 0.00001 and 0.00005; TOPMed 0.00001; gnomAD 0.00005 and 0.00001; 1000 Genomes Project 30x 0.00016; 1000 Genomes Project 0.00020; ExAC 0.00001.
gnomAD v4.1: 85 of 1,613,892 alleles (0.0053%); highest among the groups gnomAD compares: East Asian, 0.19%; 1 homozygote.

Submissions (2):

Labcorp Genetics (formerly Invitae), Labcorp
Classification: Likely benign for Cryopyrin associated periodic syndrome. Last evaluated: 2025-10-11. Review status: criteria provided, single submitter. Criteria: Invitae Variant Classification Sherloc (09022015). Collection method: clinical testing. Allele origin: germline.

Human Evolutionary Genetics, Institut Pasteur
No classification provided. Review status: no classification provided. Collection method: not provided. Allele origin: germline. Not counted in ClinVar's aggregate classification.
ClinVar note: Converted during submission from untested to not provided.